The following is an entry in ClinVar:

ClinVar aggregate classification (germline): Uncertain significance (1 of 4 stars; one submission).

Conditions:
Hereditary spastic paraplegia 53. Also called: Spastic paraplegia 53, autosomal recessive. Identifiers: Orphanet 319199, MedGen C3539494, MONDO:0013962, OMIM 614898.

Allele frequency attached by ClinVar (database versions not stated): gnomAD 0.00002; TOPMed 0.00002; ExAC 0.00003; gnomAD exomes 0.00005 and 0.00007.
gnomAD v4.1: 100 of 1,612,788 alleles (0.0062%); highest among the groups gnomAD compares: Non-Finnish European, 0.0084%; no homozygotes.

Submission:

Labcorp Genetics (formerly Invitae), Labcorp
Classification: Uncertain significance for Hereditary spastic paraplegia 53. Last evaluated: 2023-10-29. Review status: criteria provided, single submitter. Criteria: Invitae Variant Classification Sherloc (09022015). Collection method: clinical testing. Allele origin: germline.
Comment: This sequence change replaces tyrosine, which is neutral and polar, with histidine, which is basic and polar, at codon 141 of the VPS37A protein (p.Tyr141His). This variant is present in population databases (rs753491148, gnomAD 0.01%). This variant has not been reported in the literature in individuals affected with VPS37A-related conditions. ClinVar contains an entry for this variant (Variation ID: 646254). Advanced modeling of protein sequence and biophysical properties (such as structural, functional, and spatial information, amino acid conservation, physicochemical variation, residue mobility, and thermodynamic stability) performed at Invitae indicates that this missense variant is not expected to disrupt VPS37A protein function with a negative predictive value of 80%. In summary, the available evidence is currently insufficient to determine the role of this variant in disease. Therefore, it has been classified as a Variant of Uncertain Significance.

NM_152415.3(VPS37A):c.421T>C (p.Tyr141His)

Gene: VPS37A (VPS37A subunit of ESCRT-I; plus strand). Cytogenetic location: 8p22.
Variant type: single nucleotide variant.
Coding change: c.421T>C on transcript NM_152415.3 (MANE Select); coding-DNA position 421, T replaced by C.
Protein change: p.Tyr141His; replaces tyrosine 141 with histidine.
Molecular consequence: missense variant.
Genome position (GRCh38, 1-based): chr8:17,274,737, T>C. VCF-style: chr8-17274737-T-C. GRCh37 (hg19) VCF-style: chr8-17132246-T-C.
Other names: c.346T>C, p.Tyr116His (NM_001145152.2); c.421T>C, p.Tyr141His (NM_001363167.1, NM_001363173.2); c.151T>C, p.Tyr51His (NM_001363168.1, NM_001363169.1, NM_001363170.1 and 2 more transcripts); short protein forms Y116H, Y141H, Y51H.
Identifiers: ClinVar variation 646254 (VCV000646254.7), dbSNP rs753491148, ClinGen allele CA4643322.